The following is an entry in ClinVar:

ClinVar aggregate classification (germline): Uncertain significance. Review status: criteria provided, multiple submitters, no conflicts (2 of 4 stars). 3 submissions from 3 submitters: Uncertain significance (3). Last evaluated 2025-12-18.

Conditions:
Inborn genetic diseases. Identifiers: MedGen C0950123, MeSH D030342.
Developmental delay with short stature, dysmorphic facial features, and sparse hair 1. Also called: LOUCKS-INNES SYNDROME. Identifiers: MedGen CN323360, MONDO:0800438, OMIM 616901.

Allele frequency attached by ClinVar (database versions not stated): gnomAD exomes 0.00007; ESP Exome Variant Server 0.00008; gnomAD 0.00010; ExAC 0.00012; TOPMed 0.00015; 1000 Genomes Project 30x 0.00016; 1000 Genomes Project 0.00020.

Submissions (3):

Clinical Genomics Laboratory, Washington University in St. Louis
Classification: Uncertain significance for Developmental delay with short stature, dysmorphic facial features, and sparse hair 1. Last evaluated: 2025-12-18. Review status: criteria provided, single submitter. Criteria: ACMG Guidelines, 2015. Collection method: clinical testing. Allele origin: germline.
Comment: The DPH1 c.430C>T (p.Arg144Trp) variant, to our knowledge, has not been reported in the medical literature but has been reported in the ClinVar database as a germline variant of uncertain significance by one submitter. This variant is only observed on 40/280,810 alleles in the general population (gnomAD v2.1.1), indicating it is not a common variant. Computational predictors suggest that the variant does not impact DPH1 function. Due to limited information, and based on ACMG/AMP guidelines for variant interpretation (Richards S et al., PMID: 25741868), the clinical significance of this variant is uncertain at this time.

GeneDx
Classification: Uncertain significance. Last evaluated: 2025-03-06. Review status: criteria provided, single submitter. Criteria: GeneDx Variant Classification Process June 2021. Collection method: clinical testing. Allele origin: germline. Affected: yes.
Comment: In silico analysis supports that this missense variant has a deleterious effect on protein structure/function; Has not been previously published as pathogenic or benign to our knowledge

Ambry Genetics
Classification: Uncertain significance for Inborn genetic diseases. Last evaluated: 2021-01-06. Review status: criteria provided, single submitter. Criteria: Ambry Variant Classification Scheme 2023. Collection method: clinical testing. Allele origin: germline.

NM_001383.6(DPH1):c.430C>T (p.Arg144Trp)

Gene: DPH1 (diphthamide biosynthesis 1; plus strand). Cytogenetic location: 17p13.3.
Variant type: single nucleotide variant.
Coding change: c.430C>T on transcript NM_001383.6 (MANE Select); coding-DNA position 430, C replaced by T.
Protein change: p.Arg144Trp; replaces arginine 144 with tryptophan.
Molecular consequence: missense variant. On other transcripts: non-coding transcript variant (3).
Genome position (GRCh38, 1-based): chr17:2,036,558, C>T. VCF-style: chr17-2036558-C-T. GRCh37 (hg19) VCF-style: chr17-1939852-C-T.
Other names: c.445C>T, p.Arg149Trp (NM_001346574.1, NM_001346575.1); c.25C>T, p.Arg9Trp (NM_001346576.2); short protein forms R9W, R144W, R149W.
Identifiers: ClinVar variation 2398308 (VCV002398308.4), dbSNP rs201399054, ClinGen allele CA8277002.